The following is an entry in ClinVar:

NM_005247.4(FGF3):c.279C>T (p.Ser93=)

Gene: FGF3 (fibroblast growth factor 3; minus strand). Cytogenetic location: 11q13.3.
Variant type: single nucleotide variant.
Coding change: c.279C>T on transcript NM_005247.4 (MANE Select); coding-DNA position 279, C replaced by T.
Protein change: p.Ser93=; no amino-acid change (serine 93 retained).
Molecular consequence: synonymous variant.
Genome position (GRCh38, 1-based): chr11:69,816,365, G>A on the plus strand (C>T on the coding strand, the complement: FGF3 is on the minus strand). VCF-style: chr11-69816365-G-A. GRCh37 (hg19) VCF-style: chr11-69631133-G-A.
Identifiers: ClinVar variation 1199461 (VCV001199461.9), dbSNP rs139633006, ClinGen allele CA6157154.

ClinVar aggregate classification (germline): Benign/Likely benign. Review status: criteria provided, multiple submitters, no conflicts (2 of 4 stars). 3 submissions from 3 submitters: Benign (1); Likely benign (1). 1 of the submissions does not count toward it. Last evaluated 2025-09-06.

Conditions:
FGF3-related disorder. Also called: FGF3-related condition.

Allele frequency attached by ClinVar (database versions not stated): gnomAD 0.00011 and 0.00025; TOPMed 0.00016; ESP Exome Variant Server 0.00023; gnomAD exomes 0.00028 and 0.00068; ExAC 0.00084; 1000 Genomes Project 30x 0.00141; 1000 Genomes Project 0.00160.

Submissions (3):

Labcorp Genetics (formerly Invitae), Labcorp
Classification: Benign. Last evaluated: 2025-09-06. Review status: criteria provided, single submitter. Criteria: Invitae Variant Classification Sherloc (09022015). Collection method: clinical testing. Allele origin: germline.

GeneDx
Classification: Likely benign. Last evaluated: 2021-01-08. Review status: criteria provided, single submitter. Criteria: GeneDx Variant Classification Process June 2021. Collection method: clinical testing. Allele origin: germline. Affected: yes.

PreventionGenetics, part of Exact Sciences
Classification: Likely benign for FGF3-related condition. Last evaluated: 2024-05-02. Review status: no assertion criteria provided. Collection method: clinical testing. Allele origin: germline. Not counted in ClinVar's aggregate classification.
Comment: This variant is classified as likely benign based on ACMG/AMP sequence variant interpretation guidelines (Richards et al. 2015 PMID: 25741868, with internal and published modifications).